The following is an entry in ClinVar:

NM_003052.5(SLC34A1):c.25G>T (p.Gly9Trp)

Gene: SLC34A1 (solute carrier family 34 member 1; plus strand). Cytogenetic location: 5q35.3.
Variant type: single nucleotide variant.
Coding change: c.25G>T on transcript NM_003052.5 (MANE Select); coding-DNA position 25, G replaced by T.
Protein change: p.Gly9Trp; replaces glycine 9 with tryptophan.
Molecular consequence: missense variant.
Genome position (GRCh38, 1-based): chr5:177,385,766, G>T. VCF-style: chr5-177385766-G-T. GRCh37 (hg19) VCF-style: chr5-176812767-G-T.
Other names: c.25G>T, p.Gly9Trp (NM_001167579.2); short protein forms G9W.
Identifiers: ClinVar variation 352953 (VCV000352953.8), dbSNP rs148669433, ClinGen allele CA3580217.

ClinVar aggregate classification (germline): Conflicting classifications of pathogenicity. Review status: criteria provided, conflicting classifications (1 of 4 stars). 4 submissions from 4 submitters: Uncertain significance (3); Benign (1). Last evaluated 2024-05-13.

Conditions:
Hypophosphatemic nephrolithiasis/osteoporosis 1. Identifiers: Orphanet 244305, MedGen C2676786, MONDO:0012850, OMIM 612286.
Fanconi renotubular syndrome 2 (FRTS2). Identifiers: MedGen C3150652, MONDO:0013247, OMIM 613388.
Hypercalcemia, infantile, 2 (HCINF2). Identifiers: Orphanet 300547, MedGen C4310473, MONDO:0014851, OMIM 616963.
Inborn genetic diseases. Identifiers: MedGen C0950123, MeSH D030342.

Allele frequency attached by ClinVar (database versions not stated): gnomAD 0.00012 and 0.00016; TOPMed 0.00014; ESP Exome Variant Server 0.00015.
gnomAD v4.1: 36 of 1,612,910 alleles (0.0022%); highest among the groups gnomAD compares: African/African-American, 0.036%; no homozygotes.

Submissions (4):

Fulgent Genetics
Classification: Uncertain significance for Hypophosphatemic nephrolithiasis/osteoporosis 1; Fanconi renotubular syndrome 2; Hypercalcemia, infantile, 2. Last evaluated: 2024-05-13. Review status: criteria provided, single submitter. Criteria: ACMG Guidelines, 2015. Collection method: clinical testing. Allele origin: germline.

Ambry Genetics
Classification: Uncertain significance for Inborn genetic diseases. Last evaluated: 2024-01-09. Review status: criteria provided, single submitter. Criteria: Ambry Variant Classification Scheme 2023. Collection method: clinical testing. Allele origin: germline.

Labcorp Genetics (formerly Invitae), Labcorp
Classification: Uncertain significance. Last evaluated: 2022-06-08. Review status: criteria provided, single submitter. Criteria: Invitae Variant Classification Sherloc (09022015). Collection method: clinical testing. Allele origin: germline.
Comment: This sequence change replaces glycine, which is neutral and non-polar, with tryptophan, which is neutral and slightly polar, at codon 9 of the SLC34A1 protein (p.Gly9Trp). This variant is present in population databases (rs148669433, gnomAD 0.04%). This variant has not been reported in the literature in individuals affected with SLC34A1-related conditions. ClinVar contains an entry for this variant (Variation ID: 352953). Algorithms developed to predict the effect of missense changes on protein structure and function are either unavailable or do not agree on the potential impact of this missense change (SIFT: "Deleterious"; PolyPhen-2: "Possibly Damaging"; Align-GVGD: "Class C0"). In summary, the available evidence is currently insufficient to determine the role of this variant in disease. Therefore, it has been classified as a Variant of Uncertain Significance.

Illumina Laboratory Services, Illumina
Classification: Benign for Hypophosphatemic nephrolithiasis/osteoporosis 1. Last evaluated: 2018-01-12. Review status: criteria provided, single submitter. Criteria: ICSL Variant Classification Criteria 13 December 2019. Collection method: clinical testing. Allele origin: germline.
Comment: This variant was observed in the ICSL laboratory as part of a predisposition screen in an ostensibly healthy population. It had not been previously curated by ICSL or reported in the Human Gene Mutation Database (HGMD: prior to June 1st, 2018), and was therefore a candidate for classification through an automated scoring system. Utilizing variant allele frequency, disease prevalence and penetrance estimates, and inheritance mode, an automated score was calculated to assess if this variant is too frequent to cause the disease. Based on the score and internal cut-off values, a variant classified as benign is not then subjected to further curation. The score for this variant resulted in a classification of benign for this disease.